The following is an entry in ClinVar:

NM_000512.5(GALNS):c.1097T>C (p.Leu366Pro)

Gene: GALNS (galactosamine (N-acetyl)-6-sulfatase; minus strand). Cytogenetic location: 16q24.3.
Variant type: single nucleotide variant.
Coding change: c.1097T>C on transcript NM_000512.5 (MANE Select); coding-DNA position 1097, T replaced by C.
Protein change: p.Leu366Pro; replaces leucine 366 with proline.
Molecular consequence: missense variant.
Genome position (GRCh38, 1-based): chr16:88,826,744, A>G on the plus strand (T>C on the coding strand, the complement: GALNS is on the minus strand). VCF-style: chr16-88826744-A-G. GRCh37 (hg19) VCF-style: chr16-88893152-A-G.
Other names: c.542T>C, p.Leu181Pro (NM_001323543.2); c.1115T>C, p.Leu372Pro (NM_001323544.2); short protein forms L181P, L366P, L372P.
Identifiers: ClinVar variation 1012261 (VCV001012261.5), dbSNP rs971227692, ClinGen allele CA286451396.

ClinVar aggregate classification (germline): Uncertain significance. Review status: criteria provided, multiple submitters, no conflicts (2 of 4 stars). 2 submissions from 2 submitters: Uncertain significance (2). Last evaluated 2024-11-18.

Conditions:
Mucopolysaccharidosis, MPS-IV-A (MPS4A). Also called: Morquio syndrome A, mild; MORQUIO SYNDROME A; Mucopolysaccharidosis type IV A; Mucopolysaccharidosis Type IVA; GALACTOSAMINE-6-SULFATASE DEFICIENCY; GALNS DEFICIENCY. Identifiers: Orphanet 309297, Orphanet 582, MedGen C0086651, MONDO:0009659, OMIM 253000.

Allele frequency attached by ClinVar (database versions not stated): TOPMed 0.00002.

Submissions (2):

Women's Health and Genetics/Laboratory Corporation of America, LabCorp
Classification: Uncertain significance. Last evaluated: 2024-11-18. Review status: criteria provided, single submitter. Criteria: LabCorp Variant Classification Summary - May 2015. Collection method: clinical testing. Allele origin: germline.
Comment: Variant summary: GALNS c.1097T>C (p.Leu366Pro) results in a non-conservative amino acid change located in the galactosamine-6-sulfatase domain (IPR035626). of the encoded protein sequence. Four of five in-silico tools predict a damaging effect of the variant on protein function. The variant was absent in 245426 control chromosomes. c.1097T>C has been reported in the literature in compound heterozygous individuals and a heterozygous individual without identified second allele change in this gene affected with Mucopolysaccharidosis Type IVA (Morquio Syndrome A) (Guo_2012, Xie_2019, Fan_2021, Yi_2022). These data indicate that the variant may be associated with disease. To our knowledge, no experimental evidence demonstrating an impact on protein function has been reported. The following publications have been ascertained in the context of this evaluation (PMID: 34006472, 22487817, 30458289, 35212421). ClinVar contains an entry for this variant (Variation ID: 1012261). Based on the evidence outlined above, the variant was classified as VUS-possibly pathogenic.

Laboratory of Diagnosis and Therapy of Lysosomal Disorders, University of Padova
Classification: Uncertain significance for Mucopolysaccharidosis, MPS-IV-A. Last evaluated: 2021-02-01. Review status: criteria provided, single submitter. Criteria: ACMG Guidelines, 2015. Collection method: curation. Allele origin: germline. Affected: yes.
Comment: In vivo functional studies supportive of a damaging effect on the gene product (low to null enzymatic activity in homozygotes; PS3_supporting); the prevalence of the variant in affected individuals is significantly increased compared with the prevalence in controls (PS4_supporting); absent from gnomAD v2.1.1 (PM2_moderate); multiple lines of computational evidence support a deleterious effect on the gene (PP3_supporting)

Literature cited by the submitters: PubMed 30458289 (cited by Women's Health and Genetics/Laboratory Corporation of America, LabCorp and Laboratory of Diagnosis and Therapy of Lysosomal Disorders, University of Padova); PubMed 34006472 (cited by Women's Health and Genetics/Laboratory Corporation of America, LabCorp); PubMed 35212421 (cited by Women's Health and Genetics/Laboratory Corporation of America, LabCorp); PubMed 22487817 (cited by Women's Health and Genetics/Laboratory Corporation of America, LabCorp and Laboratory of Diagnosis and Therapy of Lysosomal Disorders, University of Padova); PubMed 20574428 (cited by Laboratory of Diagnosis and Therapy of Lysosomal Disorders, University of Padova); PubMed 24035930 (cited by Laboratory of Diagnosis and Therapy of Lysosomal Disorders, University of Padova); PubMed 24120057 (cited by Laboratory of Diagnosis and Therapy of Lysosomal Disorders, University of Padova); PubMed 34387910 (cited by Laboratory of Diagnosis and Therapy of Lysosomal Disorders, University of Padova).